The following is an entry in ClinVar:

NM_001148.6(ANK2):c.11573C>T (p.Thr3858Ile)

Gene: ANK2 (ankyrin 2; plus strand). Cytogenetic location: 4q26.
Variant type: single nucleotide variant.
Coding change: c.11573C>T on transcript NM_001148.6 (MANE Select); coding-DNA position 11573, C replaced by T.
Protein change: p.Thr3858Ile; replaces threonine 3858 with isoleucine.
Molecular consequence: missense variant.
Genome position (GRCh38, 1-based): chr4:113,369,768, C>T. VCF-style: chr4-113369768-C-T. GRCh37 (hg19) VCF-style: chr4-114290924-C-T.
Other names: c.5291C>T, p.Thr1764Ile (NM_001127493.3); c.5330C>T, p.Thr1777Ile (NM_001354225.2); c.5219C>T, p.Thr1740Ile (NM_001354228.2, NM_001354258.2); c.5297C>T, p.Thr1766Ile (NM_001354230.2); c.5360C>T, p.Thr1787Ile (NM_001354231.2, NM_001354242.2); c.5354C>T, p.Thr1785Ile (NM_001354232.2); c.5315C>T, p.Thr1772Ile (NM_001354235.2, NM_001354246.2, NM_001354265.2); c.5216C>T, p.Thr1739Ile (NM_001354236.2); and 35 more; short protein forms T1612I, T1645I, T1673I, T1678I, T1686I, T1695I, T1698I, T1700I.
Identifiers: ClinVar variation 1016284 (VCV001016284.8), dbSNP rs151338825, ClinGen allele CA3052305.
Genomic context (GRCh38, chr4:113,369,768, plus strand): 5'-AGAGCTCTCCGCGGAAAACCAGCCTCGTAATAGTGGAGTCTGCCGATAACCAGCCTGAGA[C>T]CTGTGAAAGACTCGATGAAGATGCAGCTTTTGAAAAGGTAAGACATTCCTCTCCACTTTC-3'
Protein context (NP_001139.3, residues 3848-3868): IVESADNQPE[Thr3858Ile]CERLDEDAAF

ClinVar aggregate classification (germline): Uncertain significance. Review status: criteria provided, multiple submitters, no conflicts (2 of 4 stars). 2 submissions from 2 submitters: Uncertain significance (2). Last evaluated 2024-02-05.

Conditions:
Cardiovascular phenotype. Identifiers: MedGen CN230736.
Long QT syndrome (LQTS). Identifiers: MedGen C0023976, MeSH D008133, MONDO:0002442. Disease mechanism: loss of function. Inheritance: Various modes of inheritance.

Allele frequency attached by ClinVar (database versions not stated): gnomAD exomes 0.00001; TOPMed 0.00001; ExAC 0.00002; gnomAD 0.00002; ESP Exome Variant Server 0.00015.
gnomAD v4.1: 22 of 1,613,938 alleles (0.0014%); highest among the groups gnomAD compares: Non-Finnish European, 0.0018%; no homozygotes.

Submissions (2):

Labcorp Genetics (formerly Invitae), Labcorp
Classification: Uncertain significance for Long QT syndrome. Last evaluated: 2024-02-05. Review status: criteria provided, single submitter. Criteria: Invitae Variant Classification Sherloc (09022015). Collection method: clinical testing. Allele origin: germline.
Comment: This sequence change replaces threonine, which is neutral and polar, with isoleucine, which is neutral and non-polar, at codon 3858 of the ANK2 protein (p.Thr3858Ile). This variant is present in population databases (rs151338825, gnomAD 0.004%). This variant has not been reported in the literature in individuals affected with ANK2-related conditions. ClinVar contains an entry for this variant (Variation ID: 1016284). Algorithms developed to predict the effect of missense changes on protein structure and function output the following: SIFT: "Not Available"; PolyPhen-2: "Benign"; Align-GVGD: "Not Available". The isoleucine amino acid residue is found in multiple mammalian species, which suggests that this missense change does not adversely affect protein function. In summary, the available evidence is currently insufficient to determine the role of this variant in disease. Therefore, it has been classified as a Variant of Uncertain Significance.

Ambry Genetics
Classification: Uncertain significance for Cardiovascular phenotype. Last evaluated: 2023-04-18. Review status: criteria provided, single submitter. Criteria: Ambry Variant Classification Scheme 2023. Collection method: clinical testing. Allele origin: germline.
Comment: The p.T3858I variant (also known as c.11573C>T), located in coding exon 43 of the ANK2 gene, results from a C to T substitution at nucleotide position 11573. The threonine at codon 3858 is replaced by isoleucine, an amino acid with similar properties. This amino acid position is poorly conserved in available vertebrate species. In addition, this alteration is predicted to be tolerated by in silico analysis. Since supporting evidence is limited at this time, the clinical significance of this alteration remains unclear.